The following is an entry in ClinVar:

NM_000179.3(MSH6):c.2389G>A (p.Asp797Asn)

Gene: MSH6 (mutS homolog 6; plus strand). Cytogenetic location: 2p16.3.
Variant type: single nucleotide variant.
Coding change: c.2389G>A on transcript NM_000179.3 (MANE Select); coding-DNA position 2389, G replaced by A.
Protein change: p.Asp797Asn; replaces aspartic acid 797 with asparagine.
Molecular consequence: missense variant.
Genome position (GRCh38, 1-based): chr2:47,800,372, G>A. VCF-style: chr2-47800372-G-A. GRCh37 (hg19) VCF-style: chr2-48027511-G-A.
Other names: c.1999G>A, p.Asp667Asn (NM_001281492.2); c.1483G>A, p.Asp495Asn (NM_001281493.2, NM_001281494.2); c.2389G>A (NM_000179.2); short protein forms D667N, D495N, D797N.
Identifiers: ClinVar variation 1428818 (VCV001428818.9), dbSNP rs2104404139, ClinGen allele CA346753817.

ClinVar aggregate classification (germline): Uncertain significance. Review status: criteria provided, multiple submitters, no conflicts (2 of 4 stars). 2 submissions from 2 submitters: Uncertain significance (2). Last evaluated 2025-08-14.

Conditions:
Hereditary cancer-predisposing syndrome. Also called: Tumor predisposition; Hereditary neoplastic syndrome; Neoplastic Syndromes, Hereditary; Hereditary Cancer Syndrome. Identifiers: Orphanet 140162, MedGen C0027672, MeSH D009386, MONDO:0015356.
Hereditary nonpolyposis colorectal neoplasms. Identifiers: MedGen C0009405, MeSH D003123.

Allele frequency attached by ClinVar (database versions not stated): gnomAD exomes below 0.00001.
gnomAD v4.1: 1 of 1,614,050 alleles (0.000062%); highest among the groups gnomAD compares: Non-Finnish European, 0.000085%; no homozygotes.

Submissions (2):

Ambry Genetics
Classification: Uncertain significance for Hereditary cancer-predisposing syndrome. Last evaluated: 2025-08-14. Review status: criteria provided, single submitter. Criteria: Ambry Variant Classification Scheme 2023. Collection method: clinical testing. Allele origin: germline.
Comment: The p.D797N variant (also known as c.2389G>A), located in coding exon 4 of the MSH6 gene, results from a G to A substitution at nucleotide position 2389. The aspartic acid at codon 797 is replaced by asparagine, an amino acid with highly similar properties. This amino acid position is conserved. In addition, the in silico prediction for this alteration is inconclusive. Based on the available evidence, the clinical significance of this variant remains unclear.

Labcorp Genetics (formerly Invitae), Labcorp
Classification: Uncertain significance for Hereditary nonpolyposis colorectal neoplasms. Last evaluated: 2020-12-25. Review status: criteria provided, single submitter. Criteria: Invitae Variant Classification Sherloc (09022015). Collection method: clinical testing. Allele origin: germline.
Comment: This sequence change replaces aspartic acid with asparagine at codon 797 of the MSH6 protein (p.Asp797Asn). The aspartic acid residue is highly conserved and there is a small physicochemical difference between aspartic acid and asparagine. This variant is not present in population databases (ExAC no frequency). This variant has not been reported in the literature in individuals with MSH6-related conditions. Algorithms developed to predict the effect of missense changes on protein structure and function are either unavailable or do not agree on the potential impact of this missense change (SIFT: "Deleterious"; PolyPhen-2: "Probably Damaging"; Align-GVGD: "Class C15"). In summary, the available evidence is currently insufficient to determine the role of this variant in disease. Therefore, it has been classified as a Variant of Uncertain Significance.